The following is an entry in ClinVar:

NM_203447.4(DOCK8):c.53+23C>T

Genes: DOCK8-AS1 (DOCK8 antisense RNA 1; minus strand), DOCK8 (dedicator of cytokinesis 8; plus strand). Cytogenetic location: 9p24.3.
Variant type: single nucleotide variant.
Coding change: c.53+23C>T on transcript NM_203447.4 (MANE Select); 23 bases into the intron after coding-DNA position 53, C replaced by T.
Molecular consequence: intron variant. On other transcripts: non-coding transcript variant (1).
Genome position (GRCh38, 1-based): chr9:215,052, C>T. VCF-style: chr9-215052-C-T. GRCh37 (hg19) VCF-style: chr9-215052-C-T.
Identifiers: ClinVar variation 1030476 (VCV001030476.1), dbSNP rs778809812, ClinGen allele CA4956934.

ClinVar aggregate classification (germline): Uncertain significance (1 of 4 stars; one submission).

Conditions:
Combined immunodeficiency due to DOCK8 deficiency (HIES2). Also called: HYPER-IgE SYNDROME 2, AUTOSOMAL RECESSIVE, WITH RECURRENT INFECTIONS; DOCK8 Deficiency; HIES autosomal recessive; Hyper-IgE recurrent infection syndrome, autosomal recessive; HYPER-IgE RECURRENT INFECTION SYNDROME 2, AUTOSOMAL RECESSIVE. Identifiers: Orphanet 217390, MedGen C4722305, MONDO:0009478, OMIM 243700.

Allele frequency attached by ClinVar (database versions not stated): ExAC below 0.00001; gnomAD exomes below 0.00001; TOPMed 0.00001.
gnomAD v4.1: 6 of 1,562,340 alleles (0.00038%); highest among the groups gnomAD compares: Non-Finnish European, 0.00052%; no homozygotes.

Submission:

Baylor Genetics
Classification: Uncertain significance for Combined immunodeficiency due to DOCK8 deficiency. Last evaluated: 2019-06-20. Review status: criteria provided, single submitter. Criteria: ACMG Guidelines, 2015. Collection method: clinical testing. Allele origin: maternal. Affected: yes.
Comment: This variant was determined to be of uncertain significance according to ACMG Guidelines, 2015 [PMID:25741868].